The following is an entry in ClinVar:

NM_007194.4(CHEK2):c.1397T>G (p.Leu466Trp)

Gene: CHEK2 (checkpoint kinase 2; minus strand). Cytogenetic location: 22q12.1.
Variant type: single nucleotide variant.
Coding change: c.1397T>G on transcript NM_007194.4 (MANE Select); coding-DNA position 1397, T replaced by G.
Protein change: p.Leu466Trp; replaces leucine 466 with tryptophan.
Molecular consequence: missense variant.
Genome position (GRCh38, 1-based): chr22:28,694,096, A>C on the plus strand (T>G on the coding strand, the complement: CHEK2 is on the minus strand). VCF-style: chr22-28694096-A-C. GRCh37 (hg19) VCF-style: chr22-29090084-A-C.
Other names: c.1196T>G, p.Leu399Trp (NM_001349956.3); c.1310T>G, p.Leu437Trp (NM_145862.3); c.1526T>G, p.Leu509Trp (NM_001005735.3); c.734T>G, p.Leu245Trp (NM_001257387.3); short protein forms L245W, L466W, L509W, L399W, L437W.
Identifiers: ClinVar variation 3729355 (VCV003729355.2).

ClinVar aggregate classification (germline): Uncertain significance (1 of 4 stars; one submission).

Conditions:
Familial cancer of breast. Also called: Hereditary breast cancer; hereditary breast carcinoma; BREAST CANCER, FAMILIAL. Identifiers: Orphanet 227535, MedGen C0346153, MONDO:0016419, OMIM 114480. Disease mechanism: loss of function.

Submission:

Labcorp Genetics (formerly Invitae), Labcorp
Classification: Uncertain significance for Familial cancer of breast. Last evaluated: 2025-01-22. Review status: criteria provided, single submitter. Criteria: Invitae Variant Classification Sherloc (09022015). Collection method: clinical testing. Allele origin: germline.
Comment: This sequence change replaces leucine, which is neutral and non-polar, with tryptophan, which is neutral and slightly polar, at codon 466 of the CHEK2 protein (p.Leu466Trp). This variant is not present in population databases (gnomAD no frequency). This variant has not been reported in the literature in individuals affected with CHEK2-related conditions. An algorithm developed to predict the effect of missense changes on protein structure and function (PolyPhen-2) suggests that this variant is likely to be disruptive. In summary, the available evidence is currently insufficient to determine the role of this variant in disease. Therefore, it has been classified as a Variant of Uncertain Significance.